The following is an entry in ClinVar:

NM_032436.4(CHAMP1):c.1567A>T (p.Thr523Ser)

Gene: CHAMP1 (chromosome alignment maintaining phosphoprotein 1; plus strand). Cytogenetic location: 13q34.
Variant type: single nucleotide variant.
Coding change: c.1567A>T on transcript NM_032436.4 (MANE Select); coding-DNA position 1567, A replaced by T.
Protein change: p.Thr523Ser; replaces threonine 523 with serine.
Molecular consequence: missense variant.
Genome position (GRCh38, 1-based): chr13:114,325,409, A>T. VCF-style: chr13-114325409-A-T. GRCh37 (hg19) VCF-style: chr13-115090884-A-T.
Other names: c.1567A>T, p.Thr523Ser (NM_001164144.3, NM_001164145.3); short protein forms T523S.
Identifiers: ClinVar variation 1450884 (VCV001450884.6), dbSNP rs1555379798, ClinGen allele CA388848946.
Genomic context (GRCh38, chr13:114,325,409, plus strand): 5'-GGGCCATCTGAGTCCCCCAAAGCAGCCTCAGATATCTGGAAGCCTGTTCTCTCTATCGAT[A>T]CTGAGCCTAGAAAACCTGCCCTGTTTCCCGAGCCTGCCAAAACAGCCCCTCCTGCTTCTC-3'
Protein context (NP_115812.1, residues 513-533): DIWKPVLSID[Thr523Ser]EPRKPALFPE

ClinVar aggregate classification (germline): Uncertain significance (1 of 4 stars; one submission).

Submission:

Labcorp Genetics (formerly Invitae), Labcorp
Classification: Uncertain significance. Last evaluated: 2022-03-09. Review status: criteria provided, single submitter. Criteria: Invitae Variant Classification Sherloc (09022015). Collection method: clinical testing. Allele origin: germline.
Comment: This sequence change replaces threonine, which is neutral and polar, with serine, which is neutral and polar, at codon 523 of the CHAMP1 protein (p.Thr523Ser). This variant is not present in population databases (gnomAD no frequency). This variant has not been reported in the literature in individuals affected with CHAMP1-related conditions. Algorithms developed to predict the effect of missense changes on protein structure and function (SIFT, PolyPhen-2, Align-GVGD) all suggest that this variant is likely to be tolerated. In summary, the available evidence is currently insufficient to determine the role of this variant in disease. Therefore, it has been classified as a Variant of Uncertain Significance.